The following is an entry in ClinVar:

NM_006790.3(MYOT):c.120T>A (p.Ile40=)

Genes: MYOT (myotilin; plus strand), PKD2L2-DT (PKD2L2 divergent transcript; minus strand). Cytogenetic location: 5q31.2.
Variant type: single nucleotide variant.
Coding change: c.120T>A on transcript NM_006790.3 (MANE Select); coding-DNA position 120, T replaced by A.
Protein change: p.Ile40=; no amino-acid change (isoleucine 40 retained).
Molecular consequence: synonymous variant. On other transcripts: intron variant (2).
Genome position (GRCh38, 1-based): chr5:137,870,771, T>A. VCF-style: chr5-137870771-T-A. GRCh37 (hg19) VCF-style: chr5-137206460-T-A.
Other names: c.-120-106T>A (NM_001300911.2); c.-197+246T>A (NM_001135940.2).
Identifiers: ClinVar variation 95438 (VCV000095438.48), dbSNP rs139254363, ClinGen allele CA222975.

ClinVar aggregate classification (germline): Conflicting classifications of pathogenicity. Review status: criteria provided, conflicting classifications (1 of 4 stars). 9 submissions from 9 submitters: Uncertain significance (2); Benign (2); Likely benign (4). 1 of the submissions does not count toward it. Last evaluated 2026-08-01.

Conditions:
MYOT-related disorder. Also called: MYOT-related condition.
Myofibrillar myopathy 3 (MFM3). Also called: Autosomal dominant spheroid body myopathy; Muscular dystrophy, proximal, type 1A. Identifiers: Orphanet 266, Orphanet 268129, MedGen C3714934, MONDO:0012215, OMIM 609200.

Allele frequency attached by ClinVar (database versions not stated): 1000 Genomes Project 30x 0.00016; gnomAD exomes 0.00019; 1000 Genomes Project 0.00020; ExAC 0.00021; TOPMed 0.00032; gnomAD 0.00034; ESP Exome Variant Server 0.00069.
gnomAD v4.1: 1,108 of 1,614,158 alleles (0.069%); highest among the groups gnomAD compares: Non-Finnish European, 0.086%; no homozygotes.

Submissions (9):

CeGaT Center for Human Genetics Tuebingen
Classification: Likely benign. Last evaluated: 2026-08-01. Review status: criteria provided, single submitter. Criteria: CeGaT Center For Human Genetics Tuebingen Variant Classification Criteria Version 2. Collection method: clinical testing. Allele origin: germline. Affected: yes. Observed: 3 variant alleles.
Comment: MYOT: BP4, BP7

Labcorp Genetics (formerly Invitae), Labcorp
Classification: Likely benign for Myofibrillar myopathy 3. Last evaluated: 2025-12-15. Review status: criteria provided, single submitter. Criteria: Invitae Variant Classification Sherloc (09022015). Collection method: clinical testing. Allele origin: germline.

Athena Diagnostics
Classification: Benign. Last evaluated: 2025-06-27. Review status: criteria provided, single submitter. Criteria: Athena Diagnostics Criteria. Collection method: clinical testing. Allele origin: unknown.
Comment: The frequency of this variant in the general population is higher than would generally be expected for pathogenic variants in this gene. Computational tools yielded predictions that this variant is unlikely to have an effect on normal RNA splicing. This nucleotide position exhibits low evolutionary conservation.

Blueprint Genetics
Classification: Likely benign. Last evaluated: 2024-09-24. Review status: criteria provided, single submitter. Criteria: ACMG Guidelines, 2015. Collection method: clinical testing. Allele origin: germline.

Women's Health and Genetics/Laboratory Corporation of America, LabCorp
Classification: Benign. Last evaluated: 2023-08-19. Review status: criteria provided, single submitter. Criteria: LabCorp Variant Classification Summary - May 2015. Collection method: clinical testing. Allele origin: germline.

Eurofins Ntd Llc (ga)
Classification: Uncertain significance. Last evaluated: 2018-06-05. Review status: criteria provided, single submitter. Criteria: EGL ClinVar v180209 classification definitions. Collection method: clinical testing. Allele origin: germline. Observed: 8 variant alleles, 8 heterozygotes.

GeneDx
Classification: Likely benign. Last evaluated: 2018-05-09. Review status: criteria provided, single submitter. Criteria: GeneDx Variant Classification Process June 2021. Collection method: clinical testing. Allele origin: germline. Affected: yes.

Illumina Laboratory Services, Illumina
Classification: Uncertain significance for Myofibrillar myopathy 3. Last evaluated: 2018-01-13. Review status: criteria provided, single submitter. Criteria: ICSL Variant Classification Criteria 13 December 2019. Collection method: clinical testing. Allele origin: germline.

PreventionGenetics, part of Exact Sciences
Classification: Likely benign for MYOT-related condition. Last evaluated: 2019-05-31. Review status: no assertion criteria provided. Collection method: clinical testing. Allele origin: germline. Not counted in ClinVar's aggregate classification.
Comment: This variant is classified as likely benign based on ACMG/AMP sequence variant interpretation guidelines (Richards et al. 2015 PMID: 25741868, with internal and published modifications).